The following is an entry in ClinVar:

ClinVar aggregate classification (germline): Uncertain significance. Review status: criteria provided, multiple submitters, no conflicts (2 of 4 stars). 2 submissions from 2 submitters: Uncertain significance (2). Last evaluated 2024-04-18.

Conditions:
Left ventricular noncompaction 8 (LVNC8). Identifiers: Orphanet 154, Orphanet 54260, MedGen C3809288, MONDO:0014152, OMIM 615373.

Allele frequency attached by ClinVar (database versions not stated): TOPMed 0.00004.
gnomAD v4.1: 29 of 1,612,862 alleles (0.0018%); highest among the groups gnomAD compares: East Asian, 0.0022%; no homozygotes.

Submissions (2):

Labcorp Genetics (formerly Invitae), Labcorp
Classification: Uncertain significance for Left ventricular noncompaction 8. Last evaluated: 2024-04-18. Review status: criteria provided, single submitter. Criteria: Invitae Variant Classification Sherloc (09022015). Collection method: clinical testing. Allele origin: germline.
Comment: This sequence change replaces alanine, which is neutral and non-polar, with valine, which is neutral and non-polar, at codon 34 of the PRDM16 protein (p.Ala34Val). This variant is present in population databases (rs779535977, gnomAD 0.007%). This variant has not been reported in the literature in individuals affected with PRDM16-related conditions. ClinVar contains an entry for this variant (Variation ID: 406246). An algorithm developed to predict the effect of missense changes on protein structure and function (PolyPhen-2) suggests that this variant is likely to be disruptive. In summary, the available evidence is currently insufficient to determine the role of this variant in disease. Therefore, it has been classified as a Variant of Uncertain Significance.

GeneDx
Classification: Uncertain significance. Last evaluated: 2023-12-13. Review status: criteria provided, single submitter. Criteria: GeneDx Variant Classification Process June 2021. Collection method: clinical testing. Allele origin: germline. Affected: yes.
Comment: Has not been previously published as pathogenic or benign to our knowledge; In silico analysis supports that this missense variant does not alter protein structure/function

NM_022114.4(PRDM16):c.101C>T (p.Ala34Val)

Gene: PRDM16 (PR/SET domain 16; plus strand). Cytogenetic location: 1p36.32.
Variant type: single nucleotide variant.
Coding change: c.101C>T on transcript NM_022114.4 (MANE Select); coding-DNA position 101, C replaced by T.
Protein change: p.Ala34Val; replaces alanine 34 with valine.
Molecular consequence: missense variant.
Genome position (GRCh38, 1-based): chr1:3,186,188, C>T. VCF-style: chr1-3186188-C-T. GRCh37 (hg19) VCF-style: chr1-3102752-C-T.
Other names: c.101C>T, p.Ala34Val (NM_199454.3); short protein forms A34V.
Identifiers: ClinVar variation 406246 (VCV000406246.10), dbSNP rs779535977, ClinGen allele CA543700.